The following is an entry in ClinVar:

ClinVar aggregate classification (germline): Uncertain significance (1 of 4 stars; one submission).

gnomAD v4.1: 1 of 1,610,714 alleles (0.000062%); highest among the groups gnomAD compares: Non-Finnish European, 0.000085%; no homozygotes.

Submission:

Labcorp Genetics (formerly Invitae), Labcorp
Classification: Uncertain significance. Last evaluated: 2022-02-05. Review status: criteria provided, single submitter. Criteria: Invitae Variant Classification Sherloc (09022015). Collection method: clinical testing. Allele origin: germline.
Comment: In summary, the available evidence is currently insufficient to determine the role of this variant in disease. Therefore, it has been classified as a Variant of Uncertain Significance. Algorithms developed to predict the effect of sequence changes on RNA splicing suggest that this variant may create or strengthen a splice site. Advanced modeling of protein sequence and biophysical properties (such as structural, functional, and spatial information, amino acid conservation, physicochemical variation, residue mobility, and thermodynamic stability) performed at Invitae indicates that this missense variant is not expected to disrupt COL11A1 protein function. This variant has not been reported in the literature in individuals affected with COL11A1-related conditions. This variant is not present in population databases (gnomAD no frequency). This sequence change replaces alanine, which is neutral and non-polar, with glutamic acid, which is acidic and polar, at codon 421 of the COL11A1 protein (p.Ala421Glu).

NM_001854.4(COL11A1):c.1262C>A (p.Ala421Glu)

Gene: COL11A1 (collagen type XI alpha 1 chain; minus strand). Cytogenetic location: 1p21.1.
Variant type: single nucleotide variant.
Coding change: c.1262C>A on transcript NM_001854.4 (MANE Select); coding-DNA position 1262, C replaced by A.
Protein change: p.Ala421Glu; replaces alanine 421 with glutamic acid.
Molecular consequence: missense variant. On other transcripts: non-coding transcript variant (1).
Genome position (GRCh38, 1-based): chr1:103,021,753, G>T on the plus strand (C>A on the coding strand, the complement: COL11A1 is on the minus strand). VCF-style: chr1-103021753-G-T. GRCh37 (hg19) VCF-style: chr1-103487309-G-T.
Other names: c.1145C>A, p.Ala382Glu (NM_001190709.2); c.1298C>A, p.Ala433Glu (NM_080629.3); c.914C>A, p.Ala305Glu (NM_080630.4); short protein forms A305E, A382E, A421E, A433E.
Identifiers: ClinVar variation 1389965 (VCV001389965.8), dbSNP rs775644641, ClinGen allele CA341181656.